The following is an entry in ClinVar:

NM_000051.4(ATM):c.7578A>T (p.Arg2526Ser)

Genes: ATM (ATM serine/threonine kinase; plus strand), C11orf65 (chromosome 11 open reading frame 65; minus strand). Cytogenetic location: 11q22.3.
Variant type: single nucleotide variant.
Coding change: c.7578A>T on transcript NM_000051.4 (MANE Select); coding-DNA position 7578, A replaced by T.
Protein change: p.Arg2526Ser; replaces arginine 2526 with serine.
Molecular consequence: missense variant. On other transcripts: intron variant (2), non-coding transcript variant (1).
Genome position (GRCh38, 1-based): chr11:108,331,506, A>T. VCF-style: chr11-108331506-A-T. GRCh37 (hg19) VCF-style: chr11-108202233-A-T.
Other names: c.641-22435T>A (NM_001330368.2); c.*38+3714T>A (NM_001351110.2); c.7578A>T, p.Arg2526Ser (NM_001351834.2); short protein forms R2526S.
Identifiers: ClinVar variation 3651547 (VCV003651547.2).

ClinVar aggregate classification (germline): Uncertain significance (1 of 4 stars; one submission).

Conditions:
Ataxia-telangiectasia syndrome (AT). Also called: Ataxia-telangiectasia, complementation group D; AT, COMPLEMENTATION GROUP C; ATAXIA-TELANGIECTASIA, COMPLEMENTATION GROUP A; ATAXIA-TELANGIECTASIA, FRESNO VARIANT; Ataxia-telangiectasia; Ataxia-telangiectasia, complementation group E. Identifiers: Orphanet 100, MedGen C0004135, MONDO:0008840, OMIM 208900.

Submission:

Labcorp Genetics (formerly Invitae), Labcorp
Classification: Uncertain significance for Ataxia-telangiectasia syndrome. Last evaluated: 2024-04-29. Review status: criteria provided, single submitter. Criteria: Invitae Variant Classification Sherloc (09022015). Collection method: clinical testing. Allele origin: germline.
Comment: This sequence change replaces arginine, which is basic and polar, with serine, which is neutral and polar, at codon 2526 of the ATM protein (p.Arg2526Ser). This variant is not present in population databases (gnomAD no frequency). This variant has not been reported in the literature in individuals affected with ATM-related conditions. An algorithm developed to predict the effect of missense changes on protein structure and function (PolyPhen-2) suggests that this variant is likely to be disruptive. In summary, the available evidence is currently insufficient to determine the role of this variant in disease. Therefore, it has been classified as a Variant of Uncertain Significance.